The following is an entry in ClinVar:

ClinVar aggregate classification (germline): Benign (1 of 4 stars; one submission).

Conditions:
Qualitative or quantitative defects of delta-sarcoglycan. Identifiers: Orphanet 207070, MedGen C5680806, MONDO:0016144.

Allele frequency attached by ClinVar (database versions not stated): gnomAD 0.01204 and 0.01301; TOPMed 0.01440; 1000 Genomes Project 0.01038; 1000 Genomes Project 30x 0.01093.

Submission:

Illumina Laboratory Services, Illumina
Classification: Benign for Qualitative or quantitative defects of delta-sarcoglycan. Last evaluated: 2018-01-12. Review status: criteria provided, single submitter. Criteria: ICSL Variant Classification Criteria 13 December 2019. Collection method: clinical testing. Allele origin: germline.
Comment: This variant was observed in the ICSL laboratory as part of a predisposition screen in an ostensibly healthy population. It had not been previously curated by ICSL or reported in the Human Gene Mutation Database (HGMD: prior to June 1st, 2018), and was therefore a candidate for classification through an automated scoring system. Utilizing variant allele frequency, disease prevalence and penetrance estimates, and inheritance mode, an automated score was calculated to assess if this variant is too frequent to cause the disease. Based on the score and internal cut-off values, a variant classified as benign is not then subjected to further curation. The score for this variant resulted in a classification of benign for this disease.

NM_000337.6(SGCD):c.*4818G>A

Gene: SGCD (sarcoglycan delta; plus strand). Cytogenetic location: 5q33.3.
Variant type: single nucleotide variant.
Coding change: c.*4818G>A on transcript NM_000337.6 (MANE Select); 4818 bases downstream of the stop codon, G replaced by A.
Molecular consequence: 3 prime UTR variant.
Genome position (GRCh38, 1-based): chr5:156,764,208, G>A. VCF-style: chr5-156764208-G-A. GRCh37 (hg19) VCF-style: chr5-156191219-G-A.
Other names: c.*4818G>A (NM_001128209.2).
Identifiers: ClinVar variation 352396 (VCV000352396.6), dbSNP rs76466586, ClinGen allele CA10621044.